The following is an entry in ClinVar:

NM_021926.4(ALX4):c.*2845G>A

Gene: ALX4 (ALX homeobox 4; minus strand). Cytogenetic location: 11p11.2.
Variant type: single nucleotide variant.
Coding change: c.*2845G>A on transcript NM_021926.4 (MANE Select); 2845 bases downstream of the stop codon, G replaced by A.
Molecular consequence: 3 prime UTR variant.
Genome position (GRCh38, 1-based): chr11:44,262,009, C>T on the plus strand (G>A on the coding strand, the complement: ALX4 is on the minus strand). VCF-style: chr11-44262009-C-T. GRCh37 (hg19) VCF-style: chr11-44283559-C-T.
Identifiers: ClinVar variation 877313 (VCV000877313.4), dbSNP rs182853569, ClinGen allele CA221484547.

ClinVar aggregate classification (germline): Benign (1 of 4 stars; one submission).

Conditions:
Parietal foramina 2 (PFM2). Identifiers: Orphanet 60015, MedGen C1865044, MONDO:0012309, OMIM 609597.

Allele frequency attached by ClinVar (database versions not stated): gnomAD 0.00159 and 0.00172; TOPMed 0.00187; 1000 Genomes Project 30x 0.00203; 1000 Genomes Project 0.00220.

Submission:

Illumina Laboratory Services, Illumina
Classification: Benign for Parietal foramina 2. Last evaluated: 2018-01-13. Review status: criteria provided, single submitter. Criteria: ICSL Variant Classification Criteria 13 December 2019. Collection method: clinical testing. Allele origin: germline.
Comment: This variant was observed in the ICSL laboratory as part of a predisposition screen in an ostensibly healthy population. It had not been previously curated by ICSL or reported in the Human Gene Mutation Database (HGMD: prior to June 1st, 2018), and was therefore a candidate for classification through an automated scoring system. Utilizing variant allele frequency, disease prevalence and penetrance estimates, and inheritance mode, an automated score was calculated to assess if this variant is too frequent to cause the disease. Based on the score and internal cut-off values, a variant classified as benign is not then subjected to further curation. The score for this variant resulted in a classification of benign for this disease.